The following is an entry in ClinVar:

ClinVar aggregate classification (germline): Uncertain significance (1 of 4 stars; one submission).

Conditions:
Leukodystrophy, hypomyelinating, 2. Also called: PELIZAEUS-MERZBACHER-LIKE DISEASE, 1. Identifiers: Orphanet 280270, Orphanet 280282, MedGen C1837355, MONDO:0012125, OMIM 608804.

Submission:

3billion
Classification: Uncertain significance for Leukodystrophy, hypomyelinating, 2. Last evaluated: 2025-05-12. Review status: criteria provided, single submitter. Criteria: ACMG Guidelines, 2015. Collection method: clinical testing. Allele origin: germline. Affected: yes.
Comment: The variant is not observed in the gnomAD v4.1.0 dataset. Predicted Consequence/Location: Missense variant In silico tool predictions suggest damaging effect of the variant on gene or gene product [REVEL: 0.96 (>=0.6, sensitivity 0.68 and specificity 0.92)]. Therefore, this variant is classified as VUS according to the recommendation of ACMG/AMP guideline.

NM_020435.4(GJC2):c.287G>A (p.Gly96Asp)

Gene: GJC2 (gap junction protein gamma 2; plus strand). Cytogenetic location: 1q42.13.
Variant type: single nucleotide variant.
Coding change: c.287G>A on transcript NM_020435.4 (MANE Select); coding-DNA position 287, G replaced by A.
Protein change: p.Gly96Asp; replaces glycine 96 with aspartic acid.
Molecular consequence: missense variant.
Genome position (GRCh38, 1-based): chr1:228,158,045, G>A. VCF-style: chr1-228158045-G-A. GRCh37 (hg19) VCF-style: chr1-228345746-G-A.
Other names: short protein forms G96D.
Identifiers: ClinVar variation 4854416 (VCV004854416.1).